The following is an entry in ClinVar:

NM_025137.4(SPG11):c.4661A>C (p.Glu1554Ala)

Gene: SPG11 (SPG11 vesicle trafficking associated, spatacsin; minus strand). Cytogenetic location: 15q21.1.
Variant type: single nucleotide variant.
Coding change: c.4661A>C on transcript NM_025137.4 (MANE Select); coding-DNA position 4661, A replaced by C.
Protein change: p.Glu1554Ala; replaces glutamic acid 1554 with alanine.
Molecular consequence: missense variant.
Genome position (GRCh38, 1-based): chr15:44,592,413, T>G on the plus strand (A>C on the coding strand, the complement: SPG11 is on the minus strand). VCF-style: chr15-44592413-T-G. GRCh37 (hg19) VCF-style: chr15-44884611-T-G.
Other names: c.4661A>C, p.Glu1554Ala (NM_001160227.2); short protein forms E1554A.
Identifiers: ClinVar variation 842643 (VCV000842643.9), dbSNP rs2082925039, ClinGen allele CA392225333.

ClinVar aggregate classification (germline): Uncertain significance (1 of 4 stars; one submission).

Conditions:
Hereditary spastic paraplegia 11. Also called: Spastic paraplegia, mental retardation and thin corpus callosum; Nakamura Osame syndrome; Autosomal recessive hereditary spastic paraplegia, mental impairment, and thin corpus callosum; SPASTIC PARAPLEGIA, AUTOSOMAL RECESSIVE, COMPLICATED, WITH THIN CORPUS CALLOSUM; SPASTIC PARAPLEGIA, AUTOSOMAL RECESSIVE, WITH MENTAL IMPAIRMENT AND THIN CORPUS CALLOSUM; Spastic Paraplegia 11. Identifiers: Orphanet 2822, MedGen C1858479, MONDO:0011445, OMIM 604360.

Allele frequency attached by ClinVar (database versions not stated): gnomAD exomes below 0.00001.
gnomAD v4.1: 1 of 1,606,780 alleles (0.000062%); highest among the groups gnomAD compares: Admixed American, 0.0017%; no homozygotes.

Submission:

Labcorp Genetics (formerly Invitae), Labcorp
Classification: Uncertain significance for Hereditary spastic paraplegia 11. Last evaluated: 2019-02-08. Review status: criteria provided, single submitter. Criteria: Invitae Variant Classification Sherloc (09022015). Collection method: clinical testing. Allele origin: germline.
Comment: This variant has not been reported in the literature in individuals with SPG11-related conditions. This variant is not present in population databases (ExAC no frequency). This sequence change replaces glutamic acid with alanine at codon 1554 of the SPG11 protein (p.Glu1554Ala). The glutamic acid residue is highly conserved and there is a moderate physicochemical difference between glutamic acid and alanine. Algorithms developed to predict the effect of missense changes on protein structure and function are either unavailable or do not agree on the potential impact of this missense change (SIFT: "Deleterious"; PolyPhen-2: "Probably Damaging"; Align-GVGD: "Class C15"). In summary, the available evidence is currently insufficient to determine the role of this variant in disease. Therefore, it has been classified as a Variant of Uncertain Significance.